The following is an entry in ClinVar:

NM_001122955.4(BSCL2):c.555A>T (p.Gln185His)

Genes: BSCL2 (BSCL2 lipid droplet biogenesis associated, seipin; minus strand), HNRNPUL2-BSCL2 (HNRNPUL2-BSCL2 readthrough (NMD candidate); minus strand). Cytogenetic location: 11q12.3.
Variant type: single nucleotide variant.
Coding change: c.555A>T on transcript NM_001122955.4 (MANE Select); coding-DNA position 555, A replaced by T.
Protein change: p.Gln185His; replaces glutamine 185 with histidine.
Molecular consequence: missense variant. On other transcripts: non-coding transcript variant (1).
Genome position (GRCh38, 1-based): chr11:62,694,643, T>A on the plus strand (A>T on the coding strand, the complement: BSCL2 is on the minus strand). VCF-style: chr11-62694643-T-A. GRCh37 (hg19) VCF-style: chr11-62462115-T-A.
Other names: c.363A>T, p.Gln121His (NM_001130702.2, NM_032667.6); c.555A>T, p.Gln185His (NM_001386027.1, NM_001386028.1); short protein forms Q121H, Q185H.
Identifiers: ClinVar variation 2980676 (VCV002980676.3), dbSNP rs374507554, ClinGen allele CA6053529.

ClinVar aggregate classification (germline): Uncertain significance (1 of 4 stars; one submission).

Conditions:
Charcot-Marie-Tooth disease type 2. Also called: Charcot-Marie-Tooth type 2. Identifiers: Orphanet 64746, MedGen C0270914, MONDO:0018993.

Allele frequency attached by ClinVar (database versions not stated): TOPMed 0.00001; ESP Exome Variant Server 0.00008; gnomAD exomes 0.00001; gnomAD 0.00001; ExAC 0.00002.
gnomAD v4.1: 13 of 1,614,012 alleles (0.00081%); highest among the groups gnomAD compares: Non-Finnish European, 0.0011%; no homozygotes.

Submission:

Labcorp Genetics (formerly Invitae), Labcorp
Classification: Uncertain significance for Charcot-Marie-Tooth disease type 2. Last evaluated: 2024-01-15. Review status: criteria provided, single submitter. Criteria: Invitae Variant Classification Sherloc (09022015). Collection method: clinical testing. Allele origin: germline.
Comment: This sequence change replaces glutamine, which is neutral and polar, with histidine, which is basic and polar, at codon 121 of the BSCL2 protein (p.Gln121His). This variant is present in population databases (rs374507554, gnomAD 0.007%). This variant has not been reported in the literature in individuals affected with BSCL2-related conditions. Advanced modeling of protein sequence and biophysical properties (such as structural, functional, and spatial information, amino acid conservation, physicochemical variation, residue mobility, and thermodynamic stability) performed at Invitae indicates that this missense variant is not expected to disrupt BSCL2 protein function with a negative predictive value of 80%. In summary, the available evidence is currently insufficient to determine the role of this variant in disease. Therefore, it has been classified as a Variant of Uncertain Significance.